The following is an entry in ClinVar:

ClinVar aggregate classification (germline): Uncertain significance (1 of 4 stars; one submission).

Submission:

GeneDx
Classification: Uncertain significance. Last evaluated: 2017-09-15. Review status: criteria provided, single submitter. Criteria: GeneDx Variant Classification (06012015). Collection method: clinical testing. Allele origin: germline. Affected: yes.
Comment: A variant of uncertain significance has been identified in the VLDLR gene. The P156H variant has not been published as a pathogenic variant, nor has it been reported as a benign variant to our knowledge. The P156H variant is not observed in large population cohorts (Lek et al., 2016). The P156H variant is a non-conservative amino acid substitution, which is likely to impact secondary protein structure as these residues differ in polarity, charge, size and/or other properties. In silico analysis predicts this variant is probably damaging to the protein structure/function. However, this substitution occurs at a position that is not conserved. Therefore, based on the currently available information, it is unclear whether this variant is a pathogenic variant or a rare benign variant.

NM_003383.5(VLDLR):c.467C>A (p.Pro156His)

Gene: VLDLR (very low density lipoprotein receptor; plus strand). Cytogenetic location: 9p24.2.
Variant type: single nucleotide variant.
Coding change: c.467C>A on transcript NM_003383.5 (MANE Select); coding-DNA position 467, C replaced by A.
Protein change: p.Pro156His; replaces proline 156 with histidine.
Molecular consequence: missense variant.
Genome position (GRCh38, 1-based): chr9:2,643,178, C>A. VCF-style: chr9-2643178-C-A. GRCh37 (hg19) VCF-style: chr9-2643178-C-A.
Other names: c.467C>A, p.Pro156His (NM_001018056.3); c.344C>A, p.Pro115His (NM_001322225.2, NM_001322226.2); short protein forms P156H, P115H.
Identifiers: ClinVar variation 452170 (VCV000452170.2), dbSNP rs1554620955, ClinGen allele CA372790318.